The following is an entry in ClinVar:

ClinVar aggregate classification (germline): Benign/Likely benign. Review status: criteria provided, multiple submitters, no conflicts (2 of 4 stars). 11 submissions from 11 submitters: Benign (1); Likely benign (8). 2 of the submissions do not count toward it. Last evaluated 2026-01-31.

Conditions:
CFTR-related disorder (CFTR-RD). Also called: CFTR-related disorders; CFTR-related condition. Identifiers: MedGen C5924204, MONDO:7770004.
Cystic fibrosis (CF). Also called: MUCOVISCIDOSIS. Identifiers: Orphanet 586, MedGen C0010674, MONDO:0009061, OMIM 219700. Disease mechanism: loss of function.

Allele frequency attached by ClinVar (database versions not stated): TOPMed 0.00014; gnomAD 0.00015 and 0.00016; ESP Exome Variant Server 0.00038; ExAC 0.00005; gnomAD exomes 0.00008.
gnomAD v4.1: 253 of 1,613,808 alleles (0.016%); highest among the groups gnomAD compares: Non-Finnish European, 0.02%; no homozygotes.

Submissions (11):

Labcorp Genetics (formerly Invitae), Labcorp
Classification: Likely benign for Cystic fibrosis. Last evaluated: 2026-01-31. Review status: criteria provided, single submitter. Criteria: Invitae Variant Classification Sherloc (09022015). Collection method: clinical testing. Allele origin: germline.

CeGaT Center for Human Genetics Tuebingen
Classification: Likely benign. Last evaluated: 2025-12-01. Review status: criteria provided, single submitter. Criteria: CeGaT Center For Human Genetics Tuebingen Variant Classification Criteria Version 2. Collection method: clinical testing. Allele origin: germline. Affected: yes. Observed: 2 variant alleles.
Comment: CFTR: BP4

ARUP Laboratories, Molecular Genetics and Genomics, ARUP Laboratories
Classification: Benign. Last evaluated: 2025-04-04. Review status: criteria provided, single submitter. Criteria: ARUP Molecular Germline Variant Investigation Process 2024. Collection method: clinical testing. Allele origin: germline.

Women's Health and Genetics/Laboratory Corporation of America, LabCorp
Classification: Likely benign. Last evaluated: 2024-06-17. Review status: criteria provided, single submitter. Criteria: LabCorp Variant Classification Summary - May 2015. Collection method: clinical testing. Allele origin: germline.
Comment: Variant summary: CFTR c.-4G>C is located in the untranslated mRNA region upstream of the initiation codon. The variant allele was found at a frequency of 7.6e-05 in 251160 control chromosomes. This frequency is not significantly higher than estimated for a pathogenic variant in CFTR causing Cystic Fibrosis (7.6e-05 vs 0.013), allowing no conclusion about variant significance. c.-4G>C has been reported in CF patients who had F508del on the other chromosome (e.g. Zielenski_1991, Hadd_2004). Sickkids database references the variant in strong association with R117H. The variant was reportedly identified in cis with T5, R117H and R117H-T5 complex alleles (Hadd_2004; Lucarelli_2012; Regan_2015). Internal data support this observation with the variant being identified with R117H or R117H and T5 variants in the vast majority of tested samples. c.-4G>C has been reported to co-occur with two other pathogenic variants in multiple samples (data from internal testing and ClinVar). Lastly, the variant of interest has been described as polymorphism in published reports (e.g. Miller_1996). To our knowledge, no experimental evidence demonstrating an impact on protein function has been reported. The following publications have been ascertained in the context of this evaluation (PMID: 1710599, 8659542, 15507674, 25739099, 26436105, 32483343). ClinVar contains an entry for this variant (Variation ID: 53157). Based on the evidence outlined above, the variant was classified as likely benign.

Blueprint Genetics
Classification: Likely benign. Last evaluated: 2024-03-20. Review status: criteria provided, single submitter. Criteria: ACMG Guidelines, 2015. Collection method: clinical testing. Allele origin: germline.

Quest Diagnostics Nichols Institute San Juan Capistrano
Classification: Likely benign. Last evaluated: 2022-10-13. Review status: criteria provided, single submitter. Criteria: Quest Diagnostics criteria. Collection method: clinical testing. Allele origin: unknown.

Johns Hopkins Genomics, Johns Hopkins University
Classification: Likely benign for Cystic fibrosis. Last evaluated: 2019-12-14. Review status: criteria provided, single submitter. Criteria: ACMG Guidelines, 2015. Collection method: clinical testing. Allele origin: germline.

Ambry Genetics
Classification: Likely benign for Cystic fibrosis. Last evaluated: 2018-08-23. Review status: criteria provided, single submitter. Criteria: Ambry Variant Classification Scheme 2023. Collection method: clinical testing. Allele origin: germline.

Eurofins Ntd Llc (ga)
Classification: Likely benign. Last evaluated: 2015-05-18. Review status: criteria provided, single submitter. Criteria: EGL Classification Definitions 2015. Collection method: clinical testing. Allele origin: germline. Observed: 3 variant alleles, 3 heterozygotes.

PreventionGenetics, part of Exact Sciences
Classification: Likely benign for CFTR-related condition. Last evaluated: 2022-05-27. Review status: no assertion criteria provided. Collection method: clinical testing. Allele origin: germline. Not counted in ClinVar's aggregate classification.
Comment: This variant is classified as likely benign based on ACMG/AMP sequence variant interpretation guidelines (Richards et al. 2015 PMID: 25741868, with internal and published modifications).

Natera, Inc.
Classification: Likely benign for Cystic Fibrosis. Last evaluated: 2020-04-23. Review status: no assertion criteria provided. Collection method: clinical testing. Allele origin: germline. Not counted in ClinVar's aggregate classification.

Literature cited by the submitters: PubMed 1710599 (cited by 4 submitters); PubMed 8659542 (cited by 3 submitters); PubMed 15507674 (cited by Women's Health and Genetics/Laboratory Corporation of America, LabCorp); PubMed 25739099 (cited by Women's Health and Genetics/Laboratory Corporation of America, LabCorp); PubMed 26436105 (cited by 3 submitters); PubMed 32483343 (cited by Women's Health and Genetics/Laboratory Corporation of America, LabCorp); PubMed 8956039 (cited by Quest Diagnostics Nichols Institute San Juan Capistrano); PubMed 22137130 (cited by Ambry Genetics).

NM_000492.4(CFTR):c.-4G>C

Genes: CFTR (CF transmembrane conductance regulator; plus strand), LOC111674463 (CFTR promoter region; plus strand). Cytogenetic location: 7q31.2.
Variant type: single nucleotide variant.
Coding change: c.-4G>C on transcript NM_000492.4 (MANE Select); 4 bases upstream of the start codon, G replaced by C.
Genome position (GRCh38, 1-based): chr7:117,480,091, G>C. VCF-style: chr7-117480091-G-C. GRCh37 (hg19) VCF-style: chr7-117120145-G-C.
Other names: c.-4G>C (LRG_663t1).
Identifiers: ClinVar variation 53157 (VCV000053157.54), dbSNP rs369326781, ClinGen allele CA200315.